The following is an entry in ClinVar:

ClinVar aggregate classification (germline): Uncertain significance (1 of 4 stars; one submission).

Submission:

Labcorp Genetics (formerly Invitae), Labcorp
Classification: Uncertain significance. Last evaluated: 2025-02-27. Review status: criteria provided, single submitter. Criteria: Invitae Variant Classification Sherloc (09022015). Collection method: clinical testing. Allele origin: germline.
Comment: This sequence change falls in intron 38 of the ANK3 gene. It does not directly change the encoded amino acid sequence of the ANK3 protein. Information on the frequency of this variant in the gnomAD database is not available, as this variant may be reported differently in the database. This variant has not been reported in the literature in individuals affected with ANK3-related conditions. Experimental studies and prediction algorithms are not available or were not evaluated, and the effect of this variant on mRNA splicing is currently unknown. In summary, the available evidence is currently insufficient to determine the role of this variant in disease. Therefore, it has been classified as a Variant of Uncertain Significance.

NM_020987.5(ANK3):c.12319+14_12319+15delinsTC

Gene: ANK3 (ankyrin 3; minus strand). Cytogenetic location: 10q21.2.
Variant type: Indel.
Coding change: c.12319+14_12319+15delinsTC on transcript NM_020987.5 (MANE Select); bases 14 to 15 of the intron after coding-DNA position 12319, CT replaced by TC.
Molecular consequence: intron variant.
Genome position (GRCh38, 1-based): chr10:60,067,920-60,067,921, AG replaced by GA on the plus strand (CT replaced by TC on the coding strand, the reverse complement: ANK3 is on the minus strand). VCF-style: chr10-60067920-AG-GA. GRCh37 (hg19) VCF-style: chr10-61827678-AG-GA.
Other names: c.4462+14_4462+15delinsTC (NM_001204403.2); c.4483+14_4483+15delinsTC (NM_001204404.2); c.4480+14_4480+15delinsTC (NM_001320874.2); c.1882+14_1882+15delinsTC (NM_001149.4).
Identifiers: ClinVar variation 4713431 (VCV004713431.1).
Genomic context (GRCh38, chr10:60,067,920, plus strand): 5'-TATATTGAACTGCTTGTGAGTAAGACAAAGAAATGAAGAAACTAATTTGTTCCATTCAGG[AG>GA]TGTATGCACTTACCTGTCCAACTAAGTCCCAGGTGATCGGCTACTATTGCCATCCTGATA-3'